The following is an entry in ClinVar:

NM_005901.6(SMAD2):c.644A>G (p.Asn215Ser)

Gene: SMAD2 (SMAD family member 2; minus strand). Cytogenetic location: 18q21.1.
Variant type: single nucleotide variant.
Coding change: c.644A>G on transcript NM_005901.6 (MANE Select); coding-DNA position 644, A replaced by G.
Protein change: p.Asn215Ser; replaces asparagine 215 with serine.
Molecular consequence: missense variant.
Genome position (GRCh38, 1-based): chr18:47,868,334, T>C on the plus strand (A>G on the coding strand, the complement: SMAD2 is on the minus strand). VCF-style: chr18-47868334-T-C. GRCh37 (hg19) VCF-style: chr18-45394705-T-C.
Other names: c.644A>G, p.Asn215Ser (NM_001003652.4); c.554A>G, p.Asn185Ser (NM_001135937.3); short protein forms N215S, N185S.
Identifiers: ClinVar variation 5002978 (VCV005002978.1).

ClinVar aggregate classification (germline): Uncertain significance (1 of 4 stars; one submission).

Conditions:
Loeys-Dietz syndrome 6. Identifiers: MedGen C5562041, MONDO:0030500, OMIM 619656.

Submission:

OLLIN Analises Genomicas, OLLIN
Classification: Uncertain significance for Loeys-Dietz syndrome 6. Last evaluated: 2026-08-06. Review status: criteria provided, single submitter. Criteria: ACMG Guidelines 2015 PMID 25741868. Collection method: clinical testing. Allele origin: germline.
Comment: This missense variant, located in exon 5 (of 11), is absent from gnomAD and ClinVar and has not been identified in the literature. In silico analysis is inconclusive regarding the impact of this variant. This gene is constrained for missense variation. According to the currently available evidence, this variant has been classified as uncertain significance (PM2_P, PP2).